The following is an entry in ClinVar:

ClinVar aggregate classification (germline): Uncertain significance (1 of 4 stars; one submission).

Allele frequency attached by ClinVar (database versions not stated): gnomAD exomes below 0.00001; ExAC 0.00001.
gnomAD v4.1: 2 of 1,614,104 alleles (0.00012%); highest among the groups gnomAD compares: East Asian, 0.0022%; no homozygotes.

Submission:

GeneDx
Classification: Uncertain significance. Last evaluated: 2019-04-17. Review status: criteria provided, single submitter. Criteria: GeneDx Variant Classification Process June 2021. Collection method: clinical testing. Allele origin: germline. Affected: yes.
Comment: Not observed at a significant frequency in large population cohorts (Lek et al., 2016); In silico analysis, which includes splice predictors and evolutionary conservation, supports that this variant does not alter protein structure/function; Has not been previously published as pathogenic or benign to our knowledge

NM_012208.4(HARS2):c.1239T>C (p.Phe413=)

Gene: HARS2 (histidyl-tRNA synthetase 2, mitochondrial; plus strand). Cytogenetic location: 5q31.3.
Variant type: single nucleotide variant.
Coding change: c.1239T>C on transcript NM_012208.4 (MANE Select); coding-DNA position 1239, T replaced by C.
Protein change: p.Phe413=; no amino-acid change (phenylalanine 413 retained).
Molecular consequence: synonymous variant.
Genome position (GRCh38, 1-based): chr5:140,697,610, T>C. VCF-style: chr5-140697610-T-C. GRCh37 (hg19) VCF-style: chr5-140077195-T-C.
Other names: c.1164T>C, p.Phe388= (NM_001278731.2); c.807T>C, p.Phe269= (NM_001278732.2); c.1257T>C, p.Phe419= (NM_001363535.2); c.1029T>C, p.Phe343= (NM_001363536.2).
Identifiers: ClinVar variation 1305122 (VCV001305122.2), dbSNP rs753760217, ClinGen allele CA3444654.